The following is an entry in ClinVar:

ClinVar aggregate classification (germline): Uncertain significance. Review status: criteria provided, multiple submitters, no conflicts (2 of 4 stars). 2 submissions from 2 submitters: Uncertain significance (2). Last evaluated 2025-03-18.

Conditions:
Hereditary cancer-predisposing syndrome. Also called: Hereditary neoplastic syndrome; Neoplastic Syndromes, Hereditary; Hereditary Cancer Syndrome; Tumor predisposition. Identifiers: Orphanet 140162, MedGen C0027672, MeSH D009386, MONDO:0015356.
Neuroblastoma, susceptibility to, 3. Also called: ALK-Related Neuroblastic Tumor Susceptibility. Identifiers: Orphanet 635, MedGen C2751681, MONDO:0013083, OMIM 613014.

Submissions (2):

Ambry Genetics
Classification: Uncertain significance for Hereditary cancer-predisposing syndrome. Last evaluated: 2025-03-18. Review status: criteria provided, single submitter. Criteria: Ambry Variant Classification Scheme 2023. Collection method: clinical testing. Allele origin: germline.
Comment: The p.F1007S variant (also known as c.3020T>C), located in coding exon 18 of the ALK gene, results from a T to C substitution at nucleotide position 3020. The phenylalanine at codon 1007 is replaced by serine, an amino acid with highly dissimilar properties. This amino acid position is not well conserved in available vertebrate species. In addition, the in silico prediction for this alteration is inconclusive. Based on the available evidence, the clinical significance of this variant remains unclear.

Labcorp Genetics (formerly Invitae), Labcorp
Classification: Uncertain significance for Neuroblastoma, susceptibility to, 3. Last evaluated: 2022-02-19. Review status: criteria provided, single submitter. Criteria: Invitae Variant Classification Sherloc (09022015). Collection method: clinical testing. Allele origin: germline.
Comment: In summary, the available evidence is currently insufficient to determine the role of this variant in disease. Therefore, it has been classified as a Variant of Uncertain Significance. Algorithms developed to predict the effect of missense changes on protein structure and function are either unavailable or do not agree on the potential impact of this missense change (SIFT: "Deleterious"; PolyPhen-2: "Benign"; Align-GVGD: "Class C55"). ClinVar contains an entry for this variant (Variation ID: 572738). This variant has not been reported in the literature in individuals affected with ALK-related conditions. This variant is not present in population databases (gnomAD no frequency). This sequence change replaces phenylalanine, which is neutral and non-polar, with serine, which is neutral and polar, at codon 1007 of the ALK protein (p.Phe1007Ser).

NM_004304.5(ALK):c.3020T>C (p.Phe1007Ser)

Gene: ALK (ALK receptor tyrosine kinase; minus strand). Cytogenetic location: 2p23.2.
Variant type: single nucleotide variant.
Coding change: c.3020T>C on transcript NM_004304.5 (MANE Select); coding-DNA position 3020, T replaced by C.
Protein change: p.Phe1007Ser; replaces phenylalanine 1007 with serine.
Molecular consequence: missense variant.
Genome position (GRCh38, 1-based): chr2:29,226,969, A>G on the plus strand (T>C on the coding strand, the complement: ALK is on the minus strand). VCF-style: chr2-29226969-A-G. GRCh37 (hg19) VCF-style: chr2-29449835-A-G.
Other names: short protein forms F1007S.
Identifiers: ClinVar variation 572738 (VCV000572738.12), dbSNP rs1558626190, ClinGen allele CA346467623.
Genomic context (GRCh38, chr2:29,226,969, plus strand): 5'-CCTGCCCCCTTACCAATGCAGGAGACGCCATCCTCAGCCAGCACCGTCCCGTGGTCACAG[A>G]AGCAGATGACCTTGTGGCTTTCAGGGTCCATGTGACATTCGTCTACCTCACAGTGACTGC-3'
Protein context (NP_004295.2, residues 997-1017): MDPESHKVIC[Phe1007Ser]CDHGTVLAED